The following is an entry in ClinVar:

NM_001164508.2(NEB):c.3551T>C (p.Met1184Thr)

Gene: NEB (nebulin; minus strand). Cytogenetic location: 2q23.3.
Variant type: single nucleotide variant.
Coding change: c.3551T>C on transcript NM_001164508.2 (MANE Select); coding-DNA position 3551, T replaced by C.
Protein change: p.Met1184Thr; replaces methionine 1184 with threonine.
Molecular consequence: missense variant.
Genome position (GRCh38, 1-based): chr2:151,677,892, A>G on the plus strand (T>C on the coding strand, the complement: NEB is on the minus strand). VCF-style: chr2-151677892-A-G. GRCh37 (hg19) VCF-style: chr2-152534406-A-G.
Other names: c.3551T>C, p.Met1184Thr (NM_001164507.2, NM_001271208.2, NM_004543.5); c.3551T>C (NM_004543.4); short protein forms M1184T.
Identifiers: ClinVar variation 1450198 (VCV001450198.6), dbSNP rs1308063415, ClinGen allele CA348818856.

ClinVar aggregate classification (germline): Uncertain significance. Review status: criteria provided, multiple submitters, no conflicts (2 of 4 stars). 2 submissions from 2 submitters: Uncertain significance (2). Last evaluated 2023-02-06.

Conditions:
Nemaline myopathy 2 (NEM2). Also called: Nemaline myopathy 2, autosomal recessive. Identifiers: MedGen C1850569, MONDO:0009725, OMIM 256030.
Inborn genetic diseases. Identifiers: MedGen C0950123, MeSH D030342.

Allele frequency attached by ClinVar (database versions not stated): gnomAD exomes below 0.00001 and 0.00001; gnomAD 0.00001.

Submissions (2):

Ambry Genetics
Classification: Uncertain significance for Inborn genetic diseases. Last evaluated: 2023-02-06. Review status: criteria provided, single submitter. Criteria: Ambry Variant Classification Scheme 2023. Collection method: clinical testing. Allele origin: germline.

Labcorp Genetics (formerly Invitae), Labcorp
Classification: Uncertain significance for Nemaline myopathy 2. Last evaluated: 2022-06-20. Review status: criteria provided, single submitter. Criteria: Invitae Variant Classification Sherloc (09022015). Collection method: clinical testing. Allele origin: germline.
Comment: This sequence change replaces methionine, which is neutral and non-polar, with threonine, which is neutral and polar, at codon 1184 of the NEB protein (p.Met1184Thr). This variant is present in population databases (no rsID available, gnomAD 0.0009%). This variant has not been reported in the literature in individuals affected with NEB-related conditions. Algorithms developed to predict the effect of missense changes on protein structure and function are either unavailable or do not agree on the potential impact of this missense change (SIFT: "Deleterious"; PolyPhen-2: "Not Available"; Align-GVGD: "Class C0"). In summary, the available evidence is currently insufficient to determine the role of this variant in disease. Therefore, it has been classified as a Variant of Uncertain Significance.